The following is an entry in ClinVar:

NM_001123385.2(BCOR):c.5190G>A (p.Thr1730=)

Gene: BCOR (BCL6 corepressor; minus strand). Cytogenetic location: Xp11.4.
Variant type: single nucleotide variant.
Coding change: c.5190G>A on transcript NM_001123385.2 (MANE Select); coding-DNA position 5190, G replaced by A.
Protein change: p.Thr1730=; no amino-acid change (threonine 1730 retained).
Molecular consequence: synonymous variant.
Genome position (GRCh38, 1-based): chrX:40,052,187, C>T on the plus strand (G>A on the coding strand, the complement: BCOR is on the minus strand). VCF-style: chrX-40052187-C-T. GRCh37 (hg19) VCF-style: chrX-39911440-C-T.
Other names: c.5088G>A, p.Thr1696= (NM_017745.6, NM_001123383.2); c.5034G>A, p.Thr1678= (NM_001123384.2).
Identifiers: ClinVar variation 696103 (VCV000696103.19), dbSNP rs375139386, ClinGen allele CA10386290.

ClinVar aggregate classification (germline): Benign/Likely benign. Review status: criteria provided, multiple submitters, no conflicts (2 of 4 stars). 4 submissions from 4 submitters: Benign (2); Likely benign (2). Last evaluated 2025-09-01.

Conditions:
BCOR-related disorder. Also called: BCOR-related condition; BCOR-related disorders.
Oculofaciocardiodental syndrome (MCOPS2). Identifiers: Orphanet 2712, MedGen C1846265, MONDO:0010261, OMIM 300166.

Allele frequency attached by ClinVar (database versions not stated): gnomAD exomes 0.00018; ExAC 0.00021; gnomAD 0.00032; TOPMed 0.00043; ESP Exome Variant Server 0.00047.
gnomAD v4.1: 273 of 1,209,128 alleles (0.023%); highest among the groups gnomAD compares: Middle Eastern, 0.091%; no homozygotes.

Submissions (4):

CeGaT Center for Human Genetics Tuebingen
Classification: Likely benign. Last evaluated: 2025-09-01. Review status: criteria provided, single submitter. Criteria: CeGaT Center For Human Genetics Tuebingen Variant Classification Criteria Version 2. Collection method: clinical testing. Allele origin: germline. Affected: yes. Observed: 1 variant allele.
Comment: BCOR: BP4, BP7, BS2

PreventionGenetics, part of Exact Sciences
Classification: Likely benign for BCOR-related condition. Last evaluated: 2025-06-18. Review status: criteria provided, single submitter. Criteria: ACMG Guidelines, 2015. Collection method: clinical testing. Allele origin: germline.
Comment: This variant is classified as likely benign based on ACMG/AMP sequence variant interpretation guidelines (Richards et al. 2015 PMID: 25741868, with internal and published modifications).

Labcorp Genetics (formerly Invitae), Labcorp
Classification: Benign for Oculofaciocardiodental syndrome. Last evaluated: 2024-03-14. Review status: criteria provided, single submitter. Criteria: Invitae Variant Classification Sherloc (09022015). Collection method: clinical testing. Allele origin: germline.

Breakthrough Genomics
Classification: Benign. Review status: criteria provided, single submitter. Criteria: ACMG Guidelines, 2015. Collection method: not provided. Allele origin: germline. Inheritance: X-linked inheritance. Affected: yes.